The following is an entry in ClinVar:

NM_016222.4(DDX41):c.301C>G (p.Arg101Gly)

Gene: DDX41 (DEAD-box helicase 41; minus strand). Cytogenetic location: 5q35.3.
Variant type: single nucleotide variant.
Coding change: c.301C>G on transcript NM_016222.4 (MANE Select); coding-DNA position 301, C replaced by G.
Protein change: p.Arg101Gly; replaces arginine 101 with glycine.
Molecular consequence: missense variant. On other transcripts: 5 prime UTR variant (2).
Genome position (GRCh38, 1-based): chr5:177,516,191, G>C on the plus strand (C>G on the coding strand, the complement: DDX41 is on the minus strand). VCF-style: chr5-177516191-G-C. GRCh37 (hg19) VCF-style: chr5-176943192-G-C.
Other names: c.-78C>G (NM_001321732.2, NM_001321830.2); short protein forms R101G.
Identifiers: ClinVar variation 4238721 (VCV004238721.1).

ClinVar aggregate classification (germline): Uncertain significance (1 of 4 stars; one submission).

Conditions:
Inborn genetic diseases. Identifiers: MedGen C0950123, MeSH D030342.

gnomAD v4.1: 3 of 1,614,060 alleles (0.00019%); highest among the groups gnomAD compares: Non-Finnish European, 0.00025%; no homozygotes.

Submission:

Ambry Genetics
Classification: Uncertain significance for Inborn genetic diseases. Last evaluated: 2025-06-27. Review status: criteria provided, single submitter. Criteria: Ambry Variant Classification Scheme 2023. Collection method: clinical testing. Allele origin: germline.
Comment: The p.R101G variant (also known as c.301C>G), located in coding exon 4 of the DDX41 gene, results from a C to G substitution at nucleotide position 301. The arginine at codon 101 is replaced by glycine, an amino acid with dissimilar properties. This amino acid position is highly conserved in available vertebrate species. In addition, the in silico prediction for this alteration is inconclusive. Based on the available evidence, the clinical significance of this variant remains unclear.